The following is an entry in ClinVar:

ClinVar aggregate classification (germline): Uncertain significance (1 of 4 stars; one submission).

Conditions:
Catecholaminergic polymorphic ventricular tachycardia 1. Also called: RYR2-Related Catecholaminergic Polymorphic Ventricular Tachycardia; VENTRICULAR TACHYCARDIA, CATECHOLAMINERGIC POLYMORPHIC, 1, WITH OR WITHOUT ATRIAL DYSFUNCTION AND/OR DILATED CARDIOMYOPATHY; VENTRICULAR TACHYCARDIA, STRESS-INDUCED POLYMORPHIC 1. Identifiers: Orphanet 3286, MedGen C1631597, MONDO:0011484, OMIM 604772.

Submission:

Labcorp Genetics (formerly Invitae), Labcorp
Classification: Uncertain significance for Catecholaminergic polymorphic ventricular tachycardia 1. Last evaluated: 2020-02-20. Review status: criteria provided, single submitter. Criteria: Invitae Variant Classification Sherloc (09022015). Collection method: clinical testing. Allele origin: germline.
Comment: Algorithms developed to predict the effect of missense changes on protein structure and function (SIFT, PolyPhen-2, Align-GVGD) all suggest that this variant is likely to be disruptive, but these predictions have not been confirmed by published functional studies and their clinical significance is uncertain. In summary, the available evidence is currently insufficient to determine the role of this variant in disease. Therefore, it has been classified as a Variant of Uncertain Significance. This sequence change replaces arginine with leucine at codon 298 of the RYR2 protein (p.Arg298Leu). The arginine residue is highly conserved and there is a moderate physicochemical difference between arginine and leucine. This variant has not been reported in the literature in individuals with RYR2-related conditions. This variant is not present in population databases (ExAC no frequency).

NM_001035.3(RYR2):c.893G>T (p.Arg298Leu)

Gene: RYR2 (ryanodine receptor 2; plus strand). Cytogenetic location: 1q43.
Variant type: single nucleotide variant.
Coding change: c.893G>T on transcript NM_001035.3 (MANE Select); coding-DNA position 893, G replaced by T.
Protein change: p.Arg298Leu; replaces arginine 298 with leucine.
Molecular consequence: missense variant.
Genome position (GRCh38, 1-based): chr1:237,423,136, G>T. VCF-style: chr1-237423136-G-T. GRCh37 (hg19) VCF-style: chr1-237586436-G-T.
Other names: short protein forms R298L.
Identifiers: ClinVar variation 1023540 (VCV001023540.10), dbSNP rs754259295, ClinGen allele CA345385266.